The following is an entry in ClinVar:

ClinVar aggregate classification (germline): Uncertain significance (1 of 4 stars; one submission).

Conditions:
Primary ciliary dyskinesia. Also called: Ciliary dyskinesia. Identifiers: Orphanet 244, MedGen C0008780, MONDO:0016575, HP:0012265.

Allele frequency attached by ClinVar (database versions not stated): gnomAD exomes 0.00001.
gnomAD v4.1: 3 of 1,614,130 alleles (0.00019%); highest among the groups gnomAD compares: Admixed American, 0.0033%; no homozygotes.

Submission:

Labcorp Genetics (formerly Invitae), Labcorp
Classification: Uncertain significance for Primary ciliary dyskinesia. Last evaluated: 2022-07-12. Review status: criteria provided, single submitter. Criteria: Invitae Variant Classification Sherloc (09022015). Collection method: clinical testing. Allele origin: germline.
Comment: In summary, the available evidence is currently insufficient to determine the role of this variant in disease. Therefore, it has been classified as a Variant of Uncertain Significance. Algorithms developed to predict the effect of missense changes on protein structure and function (SIFT, PolyPhen-2, Align-GVGD) all suggest that this variant is likely to be tolerated. This variant has not been reported in the literature in individuals affected with CCDC40-related conditions. This variant is present in population databases (no rsID available, gnomAD 0.006%). This sequence change replaces methionine, which is neutral and non-polar, with isoleucine, which is neutral and non-polar, at codon 258 of the CCDC40 protein (p.Met258Ile).

NM_017950.4(CCDC40):c.774G>A (p.Met258Ile)

Gene: CCDC40 (coiled-coil domain 40 molecular ruler complex subunit; plus strand). Cytogenetic location: 17q25.3.
Variant type: single nucleotide variant.
Coding change: c.774G>A on transcript NM_017950.4 (MANE Select); coding-DNA position 774, G replaced by A.
Protein change: p.Met258Ile; replaces methionine 258 with isoleucine.
Molecular consequence: missense variant.
Genome position (GRCh38, 1-based): chr17:80,048,680, G>A. VCF-style: chr17-80048680-G-A. GRCh37 (hg19) VCF-style: chr17-78022479-G-A.
Other names: c.774G>A, p.Met258Ile (NM_001243342.2, NM_001330508.2); short protein forms M258I.
Identifiers: ClinVar variation 1985326 (VCV001985326.4), dbSNP rs1206714328, ClinGen allele CA401354074.